The following is an entry in ClinVar:

NM_002473.6(MYH9):c.5405A>G (p.Lys1802Arg)

Gene: MYH9 (myosin heavy chain 9; minus strand). Cytogenetic location: 22q12.3.
Variant type: single nucleotide variant.
Coding change: c.5405A>G on transcript NM_002473.6 (MANE Select); coding-DNA position 5405, A replaced by G.
Protein change: p.Lys1802Arg; replaces lysine 1802 with arginine.
Molecular consequence: missense variant.
Genome position (GRCh38, 1-based): chr22:36,285,199, T>C on the plus strand (A>G on the coding strand, the complement: MYH9 is on the minus strand). VCF-style: chr22-36285199-T-C. GRCh37 (hg19) VCF-style: chr22-36681245-T-C.
Other names: short protein forms K1802R.
Identifiers: ClinVar variation 3719661 (VCV003719661.2).

ClinVar aggregate classification (germline): Uncertain significance (1 of 4 stars; one submission).

Submission:

Labcorp Genetics (formerly Invitae), Labcorp
Classification: Uncertain significance. Last evaluated: 2024-12-07. Review status: criteria provided, single submitter. Criteria: Invitae Variant Classification Sherloc (09022015). Collection method: clinical testing. Allele origin: germline.
Comment: This sequence change replaces lysine, which is basic and polar, with arginine, which is basic and polar, at codon 1802 of the MYH9 protein (p.Lys1802Arg). This variant is not present in population databases (gnomAD no frequency). This variant has not been reported in the literature in individuals affected with MYH9-related conditions. Invitae Evidence Modeling of protein sequence and biophysical properties (such as structural, functional, and spatial information, amino acid conservation, physicochemical variation, residue mobility, and thermodynamic stability) indicates that this missense variant is not expected to disrupt MYH9 protein function with a negative predictive value of 95%. In summary, the available evidence is currently insufficient to determine the role of this variant in disease. Therefore, it has been classified as a Variant of Uncertain Significance.